The following is an entry in ClinVar:

ClinVar aggregate classification (germline): Uncertain significance. Review status: criteria provided, multiple submitters, no conflicts (2 of 4 stars). 2 submissions from 2 submitters: Uncertain significance (2). Last evaluated 2025-10-23.

Conditions:
Inborn genetic diseases. Identifiers: MedGen C0950123, MeSH D030342.

Allele frequency attached by ClinVar (database versions not stated): gnomAD exomes 0.00004; TOPMed 0.00004; gnomAD 0.00005; ExAC 0.00006; ESP Exome Variant Server 0.00008.
gnomAD v4.1: 66 of 1,605,202 alleles (0.0041%); highest among the groups gnomAD compares: East Asian, 0.0067%; no homozygotes.

Submissions (2):

Labcorp Genetics (formerly Invitae), Labcorp
Classification: Uncertain significance. Last evaluated: 2025-10-23. Review status: criteria provided, single submitter. Criteria: Invitae Variant Classification Sherloc (09022015). Collection method: clinical testing. Allele origin: germline.
Comment: This sequence change replaces isoleucine, which is neutral and non-polar, with valine, which is neutral and non-polar, at codon 249 of the ATP5A1 protein (p.Ile249Val). This variant is present in population databases (rs376514057, gnomAD 0.008%). This variant has not been reported in the literature in individuals affected with ATP5A1-related conditions. ClinVar contains an entry for this variant (Variation ID: 1901881). Invitae Evidence Modeling of protein sequence and biophysical properties (such as structural, functional, and spatial information, amino acid conservation, physicochemical variation, residue mobility, and thermodynamic stability) indicates that this missense variant is not expected to disrupt ATP5A1 protein function with a negative predictive value of 80%. In summary, the available evidence is currently insufficient to determine the role of this variant in disease. Therefore, it has been classified as a Variant of Uncertain Significance.

Ambry Genetics
Classification: Uncertain significance for Inborn genetic diseases. Last evaluated: 2023-08-22. Review status: criteria provided, single submitter. Criteria: Ambry Variant Classification Scheme 2023. Collection method: clinical testing. Allele origin: germline.

NM_004046.6(ATP5F1A):c.745A>G (p.Ile249Val)

Gene: ATP5F1A (ATP synthase F1 subunit alpha; minus strand). Cytogenetic location: 18q21.1.
Variant type: single nucleotide variant.
Coding change: c.745A>G on transcript NM_004046.6 (MANE Select); coding-DNA position 745, A replaced by G.
Protein change: p.Ile249Val; replaces isoleucine 249 with valine.
Molecular consequence: missense variant.
Genome position (GRCh38, 1-based): chr18:46,088,163, T>C on the plus strand (A>G on the coding strand, the complement: ATP5F1A is on the minus strand). VCF-style: chr18-46088163-T-C. GRCh37 (hg19) VCF-style: chr18-43668129-T-C.
Other names: c.745A>G (NM_001001937.1); c.595A>G, p.Ile199Val (NM_001001935.3, NM_001257335.2); c.745A>G, p.Ile249Val (NM_001001937.2); c.679A>G, p.Ile227Val (NM_001257334.2); short protein forms I199V, I249V, I227V.
Identifiers: ClinVar variation 1901881 (VCV001901881.6), dbSNP rs376514057, ClinGen allele CA8950734.